The following is an entry in ClinVar:

NM_001378454.1(ALMS1):c.10862A>G (p.Lys3621Arg)

Gene: ALMS1 (ALMS1 centrosome and basal body associated protein; plus strand). Cytogenetic location: 2p13.1.
Variant type: single nucleotide variant.
Coding change: c.10862A>G on transcript NM_001378454.1 (MANE Select); coding-DNA position 10862, A replaced by G.
Protein change: p.Lys3621Arg; replaces lysine 3621 with arginine.
Molecular consequence: missense variant.
Genome position (GRCh38, 1-based): chr2:73,572,739, A>G. VCF-style: chr2-73572739-A-G. GRCh37 (hg19) VCF-style: chr2-73799866-A-G.
Other names: c.10865A>G, p.Lys3622Arg (NM_015120.4); short protein forms K3622R, K3621R.
Identifiers: ClinVar variation 553600 (VCV000553600.6), dbSNP rs1288339942, ClinGen allele CA347285931.

ClinVar aggregate classification (germline): Uncertain significance. Review status: criteria provided, multiple submitters, no conflicts (2 of 4 stars). 4 submissions from 4 submitters: Uncertain significance (3). 1 of the submissions does not count toward it. Last evaluated 2023-06-30.

Conditions:
Cardiovascular phenotype. Identifiers: MedGen CN230736.
Alstrom syndrome (ALMS). Identifiers: Orphanet 64, MedGen C0268425, MONDO:0008763, OMIM 203800.

Allele frequency attached by ClinVar (database versions not stated): gnomAD exomes below 0.00001 and 0.00001; TOPMed below 0.00001.
gnomAD v4.1: 3 of 1,614,130 alleles (0.00019%); highest among the groups gnomAD compares: Non-Finnish European, 0.000085%; no homozygotes.

Submissions (4):

Ambry Genetics
Classification: Uncertain significance for Cardiovascular phenotype. Last evaluated: 2023-06-30. Review status: criteria provided, single submitter. Criteria: Ambry Variant Classification Scheme 2023. Collection method: clinical testing. Allele origin: germline.
Comment: The p.K3622R variant (also known as c.10865A>G), located in coding exon 16 of the ALMS1 gene, results from an A to G substitution at nucleotide position 10865. The lysine at codon 3622 is replaced by arginine, an amino acid with highly similar properties. This amino acid position is well conserved in available vertebrate species. In addition, this alteration is predicted to be tolerated by in silico analysis. Since supporting evidence is limited at this time, the clinical significance of this alteration remains unclear.

GeneDx
Classification: Uncertain significance. Last evaluated: 2022-07-14. Review status: criteria provided, single submitter. Criteria: GeneDx Variant Classification Process June 2021. Collection method: clinical testing. Allele origin: germline. Affected: yes.
Comment: Not observed at significant frequency in large population cohorts (gnomAD); In silico analysis supports that this missense variant does not alter protein structure/function; Has not been previously published as pathogenic or benign to our knowledge

Labcorp Genetics (formerly Invitae), Labcorp
Classification: Uncertain significance for Alstrom syndrome. Last evaluated: 2021-06-15. Review status: criteria provided, single submitter. Criteria: Invitae Variant Classification Sherloc (09022015). Collection method: clinical testing. Allele origin: germline.
Comment: This sequence change replaces lysine with arginine at codon 3622 of the ALMS1 protein (p.Lys3622Arg). The lysine residue is moderately conserved and there is a small physicochemical difference between lysine and arginine. This variant is not present in population databases (ExAC no frequency). This variant has not been reported in the literature in individuals with ALMS1-related conditions. ClinVar contains an entry for this variant (Variation ID: 553600). Experimental studies and prediction algorithms are not available or were not evaluated, and the functional significance of this variant is currently unknown. In summary, the available evidence is currently insufficient to determine the role of this variant in disease. Therefore, it has been classified as a Variant of Uncertain Significance.

Counsyl
Classification: Uncertain significance for Alstrom syndrome. Last evaluated: 2017-08-30. Review status: no assertion criteria provided. Collection method: clinical testing. Allele origin: unknown. Not counted in ClinVar's aggregate classification.